The following is an entry in ClinVar:

ClinVar aggregate classification (germline): Likely benign. Review status: criteria provided, multiple submitters, no conflicts (2 of 4 stars). 5 submissions from 5 submitters: Likely benign (4). 1 of the submissions does not count toward it. Last evaluated 2026-01-19.

Conditions:
LRPPRC-related disorder. Also called: LRPPRC-related condition.

Allele frequency attached by ClinVar (database versions not stated): gnomAD exomes 0.00003; gnomAD 0.00023 and 0.00026; TOPMed 0.00033.
gnomAD v4.1: 65 of 1,507,728 alleles (0.0043%); highest among the groups gnomAD compares: African/African-American, 0.063%; no homozygotes.

Submissions (5):

Labcorp Genetics (formerly Invitae), Labcorp
Classification: Likely benign. Last evaluated: 2026-01-19. Review status: criteria provided, single submitter. Criteria: Invitae Variant Classification Sherloc (09022015). Collection method: clinical testing. Allele origin: germline.

CeGaT Center for Human Genetics Tuebingen
Classification: Likely benign. Last evaluated: 2022-07-01. Review status: criteria provided, single submitter. Criteria: CeGaT Center For Human Genetics Tuebingen Variant Classification Criteria Version 2. Collection method: clinical testing. Allele origin: germline. Affected: yes. Observed: 1 variant allele.
Comment: LRPPRC: BP4, BP7

GeneDx
Classification: Likely benign. Last evaluated: 2016-08-03. Review status: criteria provided, single submitter. Criteria: GeneDx Variant Classification (06012015). Collection method: clinical testing. Allele origin: germline. Affected: yes.
Comment: This variant is considered likely benign or benign based on one or more of the following criteria: it is a conservative change, it occurs at a poorly conserved position in the protein, it is predicted to be benign by multiple in silico algorithms, and/or has population frequency not consistent with disease.

Breakthrough Genomics
Classification: Likely benign. Review status: criteria provided, single submitter. Criteria: ACMG Guidelines, 2015. Collection method: not provided. Allele origin: germline. Inheritance: Autosomal recessive inheritance. Affected: yes.

PreventionGenetics, part of Exact Sciences
Classification: Likely benign for LRPPRC-related condition. Last evaluated: 2019-09-26. Review status: no assertion criteria provided. Collection method: clinical testing. Allele origin: germline. Not counted in ClinVar's aggregate classification.
Comment: This variant is classified as likely benign based on ACMG/AMP sequence variant interpretation guidelines (Richards et al. 2015 PMID: 25741868, with internal and published modifications).

NM_133259.4(LRPPRC):c.66C>T (p.Leu22=)

Gene: LRPPRC (leucine rich pentatricopeptide repeat containing; minus strand). Cytogenetic location: 2p21.
Variant type: single nucleotide variant.
Coding change: c.66C>T on transcript NM_133259.4 (MANE Select); coding-DNA position 66, C replaced by T.
Protein change: p.Leu22=; no amino-acid change (leucine 22 retained).
Molecular consequence: synonymous variant.
Genome position (GRCh38, 1-based): chr2:43,995,882, G>A on the plus strand (C>T on the coding strand, the complement: LRPPRC is on the minus strand). VCF-style: chr2-43995882-G-A. GRCh37 (hg19) VCF-style: chr2-44223021-G-A.
Identifiers: ClinVar variation 388155 (VCV000388155.37), dbSNP rs769158010, ClinGen allele CA16604213.